The following is an entry in ClinVar:

ClinVar aggregate classification (germline): Uncertain significance. Review status: criteria provided, multiple submitters, no conflicts (2 of 4 stars). 4 submissions from 4 submitters: Uncertain significance (4). Last evaluated 2025-08-15.

Conditions:
GRN-related frontotemporal lobar degeneration with Tdp43 inclusions (FTD2). Also called: GRN Frontotemporal Dementia; FRONTOTEMPORAL DEMENTIA WITH TDP43 INCLUSIONS, GRN-RELATED; DEMENTIA, HEREDITARY DYSPHASIC DISINHIBITION; FRONTOTEMPORAL LOBAR DEGENERATION WITH UBIQUITIN-POSITIVE INCLUSIONS; FTLD-TDP, GRN-RELATED. Identifiers: Orphanet 100070, Orphanet 282, MedGen C1843792, MONDO:0011842, OMIM 607485. Disease mechanism: loss of function.
Neuronal ceroid lipofuscinosis 11. Also called: GRN-Related Neuronal Ceroid-Lipofuscinosis. Identifiers: Orphanet 314629, Orphanet 79262, MedGen C3539123, MONDO:0013866, OMIM 614706.

Allele frequency attached by ClinVar (database versions not stated): ExAC 0.00002; TOPMed 0.00005; gnomAD 0.00006; ESP Exome Variant Server 0.00008.

Submissions (4):

Labcorp Genetics (formerly Invitae), Labcorp
Classification: Uncertain significance for Neuronal ceroid lipofuscinosis 11; GRN-related frontotemporal lobar degeneration with Tdp43 inclusions. Last evaluated: 2025-08-15. Review status: criteria provided, single submitter. Criteria: Invitae Variant Classification Sherloc (09022015). Collection method: clinical testing. Allele origin: germline.
Comment: This sequence change replaces glycine, which is neutral and non-polar, with arginine, which is basic and polar, at codon 93 of the GRN protein (p.Gly93Arg). This variant is present in population databases (rs375961960, gnomAD 0.02%). This variant has not been reported in the literature in individuals affected with GRN-related conditions. ClinVar contains an entry for this variant (Variation ID: 2052903). An algorithm developed to predict the effect of missense changes on protein structure and function outputs the following: PolyPhen-2: "Benign". The arginine amino acid residue is found in multiple mammalian species, which suggests that this missense change does not adversely affect protein function. In summary, the available evidence is currently insufficient to determine the role of this variant in disease. Therefore, it has been classified as a Variant of Uncertain Significance.

CeGaT Center for Human Genetics Tuebingen
Classification: Uncertain significance. Last evaluated: 2024-10-01. Review status: criteria provided, single submitter. Criteria: CeGaT Center For Human Genetics Tuebingen Variant Classification Criteria Version 2. Collection method: clinical testing. Allele origin: germline. Affected: yes. Observed: 1 variant allele.
Comment: GRN: PM2, BP4

Fulgent Genetics
Classification: Uncertain significance for GRN-related frontotemporal lobar degeneration with Tdp43 inclusions; Neuronal ceroid lipofuscinosis 11. Last evaluated: 2024-05-01. Review status: criteria provided, single submitter. Criteria: ACMG Guidelines, 2015. Collection method: clinical testing. Allele origin: germline.

Blueprint Genetics
Classification: Uncertain significance. Last evaluated: 2024-03-18. Review status: criteria provided, single submitter. Criteria: ACMG Guidelines, 2015. Collection method: clinical testing. Allele origin: germline.

NM_002087.4(GRN):c.277G>A (p.Gly93Arg)

Gene: GRN (granulin precursor; plus strand). Cytogenetic location: 17q21.31.
Variant type: single nucleotide variant.
Coding change: c.277G>A on transcript NM_002087.4 (MANE Select); coding-DNA position 277, G replaced by A.
Protein change: p.Gly93Arg; replaces glycine 93 with arginine.
Molecular consequence: missense variant.
Genome position (GRCh38, 1-based): chr17:44,349,679, G>A. VCF-style: chr17-44349679-G-A. GRCh37 (hg19) VCF-style: chr17-42427047-G-A.
Other names: short protein forms G93R.
Identifiers: ClinVar variation 2052903 (VCV002052903.20), dbSNP rs375961960, ClinGen allele CA8601824.